The following is an entry in ClinVar:

ClinVar aggregate classification (germline): Uncertain significance. Review status: criteria provided, multiple submitters, no conflicts (2 of 4 stars). 2 submissions from 2 submitters: Uncertain significance (2). Last evaluated 2025-11-04.

Allele frequency attached by ClinVar (database versions not stated): TOPMed 0.00006; ExAC 0.00007; gnomAD exomes 0.00007; gnomAD 0.00010 and 0.00011.

Submissions (2):

Labcorp Genetics (formerly Invitae), Labcorp
Classification: Uncertain significance. Last evaluated: 2025-11-04. Review status: criteria provided, single submitter. Criteria: Invitae Variant Classification Sherloc (09022015). Collection method: clinical testing. Allele origin: germline.
Comment: This sequence change replaces alanine, which is neutral and non-polar, with threonine, which is neutral and polar, at codon 34 of the RIPPLY2 protein (p.Ala34Thr). This variant is present in population databases (rs112393848, gnomAD 0.02%). This variant has not been reported in the literature in individuals affected with RIPPLY2-related conditions. ClinVar contains an entry for this variant (Variation ID: 1021565). An algorithm developed to predict the effect of missense changes on protein structure and function outputs the following: PolyPhen-2: "Benign". The threonine amino acid residue is found in multiple mammalian species, which suggests that this missense change does not adversely affect protein function. In summary, the available evidence is currently insufficient to determine the role of this variant in disease. Therefore, it has been classified as a Variant of Uncertain Significance.

Ambry Genetics
Classification: Uncertain significance. Last evaluated: 2023-12-07. Review status: criteria provided, single submitter. Criteria: Ambry Variant Classification Scheme 2023. Collection method: clinical testing. Allele origin: germline.

NM_001009994.3(RIPPLY2):c.100G>A (p.Ala34Thr)

Genes: RIPPLY2 (ripply transcriptional repressor 2; plus strand), RIPPLY2-CYB5R4 (RIPPLY2-CYB5R4 readthrough; plus strand). Cytogenetic location: 6q14.2.
Variant type: single nucleotide variant.
Coding change: c.100G>A on transcript NM_001009994.3 (MANE Select); coding-DNA position 100, G replaced by A.
Protein change: p.Ala34Thr; replaces alanine 34 with threonine.
Molecular consequence: missense variant. On other transcripts: non-coding transcript variant (1).
Genome position (GRCh38, 1-based): chr6:83,853,699, G>A. VCF-style: chr6-83853699-G-A. GRCh37 (hg19) VCF-style: chr6-84563418-G-A.
Other names: c.100G>A (NM_001009994.1); short protein forms A34T.
Identifiers: ClinVar variation 1021565 (VCV001021565.8), dbSNP rs112393848, ClinGen allele CA3908826.